The following is an entry in ClinVar:

NM_016247.4(IMPG2):c.2887A>G (p.Ser963Gly)

Gene: IMPG2 (interphotoreceptor matrix proteoglycan 2; minus strand). Cytogenetic location: 3q12.3.
Variant type: single nucleotide variant.
Coding change: c.2887A>G on transcript NM_016247.4 (MANE Select); coding-DNA position 2887, A replaced by G.
Protein change: p.Ser963Gly; replaces serine 963 with glycine.
Molecular consequence: missense variant.
Genome position (GRCh38, 1-based): chr3:101,242,823, T>C on the plus strand (A>G on the coding strand, the complement: IMPG2 is on the minus strand). VCF-style: chr3-101242823-T-C. GRCh37 (hg19) VCF-style: chr3-100961667-T-C.
Other names: short protein forms S963G.
Identifiers: ClinVar variation 1509063 (VCV001509063.5), dbSNP rs941586075, ClinGen allele CA79721116.

ClinVar aggregate classification (germline): Uncertain significance. Review status: criteria provided, multiple submitters, no conflicts (2 of 4 stars). 2 submissions from 2 submitters: Uncertain significance (2). Last evaluated 2024-03-19.

Conditions:
Vitelliform macular dystrophy 5. Identifiers: Orphanet 99000, MedGen C4015343, MONDO:0014509, OMIM 616152.
Retinitis pigmentosa 56 (RP56). Identifiers: Orphanet 791, MedGen C3150819, MONDO:0013314, OMIM 613581.

Submissions (2):

Labcorp Genetics (formerly Invitae), Labcorp
Classification: Uncertain significance. Last evaluated: 2024-03-19. Review status: criteria provided, single submitter. Criteria: Invitae Variant Classification Sherloc (09022015). Collection method: clinical testing. Allele origin: germline.
Comment: This sequence change replaces serine, which is neutral and polar, with glycine, which is neutral and non-polar, at codon 963 of the IMPG2 protein (p.Ser963Gly). This variant is not present in population databases (gnomAD no frequency). This missense change has been observed in individual(s) with inherited retinal dystrophies (PMID: 31736247). ClinVar contains an entry for this variant (Variation ID: 1509063). Advanced modeling of protein sequence and biophysical properties (such as structural, functional, and spatial information, amino acid conservation, physicochemical variation, residue mobility, and thermodynamic stability) performed at Invitae indicates that this missense variant is expected to disrupt IMPG2 protein function with a positive predictive value of 80%. In summary, the available evidence is currently insufficient to determine the role of this variant in disease. Therefore, it has been classified as a Variant of Uncertain Significance.

Fulgent Genetics
Classification: Uncertain significance for Retinitis pigmentosa 56; Vitelliform macular dystrophy 5. Last evaluated: 2021-09-22. Review status: criteria provided, single submitter. Criteria: ACMG Guidelines, 2015. Collection method: clinical testing. Allele origin: unknown.

Literature cited by the submitters: PubMed 31736247 (cited by Labcorp Genetics (formerly Invitae), Labcorp).